The following is an entry in ClinVar:

ClinVar aggregate classification (germline): Conflicting classifications of pathogenicity. Review status: criteria provided, conflicting classifications (1 of 4 stars). 2 submissions from 2 submitters: Uncertain significance (1); Benign (1). Last evaluated 2025-08-21.

Conditions:
Tuberous sclerosis 2 (TSC2). Identifiers: Orphanet 805, MedGen C1860707, MONDO:0013199, OMIM 613254.
Hereditary cancer-predisposing syndrome. Also called: Hereditary Cancer Syndrome; Neoplastic Syndromes, Hereditary; Hereditary neoplastic syndrome; Tumor predisposition. Identifiers: Orphanet 140162, MedGen C0027672, MeSH D009386, MONDO:0015356.

Allele frequency attached by ClinVar (database versions not stated): gnomAD 0.00003.
gnomAD v4.1: 1 of 1,613,028 alleles (0.000062%); highest among the groups gnomAD compares: African/African-American, 0.0013%; no homozygotes.

Submissions (2):

Ambry Genetics
Classification: Uncertain significance for Hereditary cancer-predisposing syndrome. Last evaluated: 2025-08-21. Review status: criteria provided, single submitter. Criteria: Ambry Variant Classification Scheme 2023. Collection method: clinical testing. Allele origin: germline.
Comment: The p.P962A variant (also known as c.2884C>G), located in coding exon 25 of the TSC2 gene, results from a C to G substitution at nucleotide position 2884. The proline at codon 962 is replaced by alanine, an amino acid with highly similar properties. This amino acid position is highly conserved through mammals but not in all available vertebrate species. In addition, the in silico prediction for this alteration is inconclusive. Based on the available evidence, the clinical significance of this variant remains unclear.

Labcorp Genetics (formerly Invitae), Labcorp
Classification: Benign for Tuberous sclerosis 2. Last evaluated: 2022-08-23. Review status: criteria provided, single submitter. Criteria: Invitae Variant Classification Sherloc (09022015). Collection method: clinical testing. Allele origin: germline.

NM_000548.5(TSC2):c.2884C>G (p.Pro962Ala)

Gene: TSC2 (TSC complex subunit 2; plus strand). Cytogenetic location: 16p13.3.
Variant type: single nucleotide variant.
Coding change: c.2884C>G on transcript NM_000548.5 (MANE Select); coding-DNA position 2884, C replaced by G.
Protein change: p.Pro962Ala; replaces proline 962 with alanine.
Molecular consequence: missense variant. On other transcripts: intron variant (9).
Genome position (GRCh38, 1-based): chr16:2,077,644, C>G. VCF-style: chr16-2077644-C-G. GRCh37 (hg19) VCF-style: chr16-2127645-C-G.
Other names: c.2884C>G, p.Pro962Ala (NM_001114382.3); c.2837+1059C>G (NM_021055.3, NM_001370405.1, NM_001363528.2 and 2 more transcripts); c.2726+1059C>G (NM_001318827.2); c.2237+1059C>G (NM_001318831.2); c.2690+1059C>G (NM_001318829.2); c.2870+1059C>G (NM_001318832.2); short protein forms P962A.
Identifiers: ClinVar variation 821933 (VCV000821933.11), dbSNP rs1477697117, ClinGen allele CA394281032.